The following is an entry in ClinVar:

NM_001127208.3(TET2):c.2458A>T (p.Ser820Cys)

Genes: TET2 (tet methylcytosine dioxygenase 2; plus strand), TET2-AS1 (TET2 antisense RNA 1; minus strand). Cytogenetic location: 4q24.
Variant type: single nucleotide variant.
Coding change: c.2458A>T on transcript NM_001127208.3 (MANE Select); coding-DNA position 2458, A replaced by T.
Protein change: p.Ser820Cys; replaces serine 820 with cysteine.
Molecular consequence: missense variant.
Genome position (GRCh38, 1-based): chr4:105,236,400, A>T. VCF-style: chr4-105236400-A-T. GRCh37 (hg19) VCF-style: chr4-106157557-A-T.
Other names: c.2458A>T, p.Ser820Cys (NM_017628.4); short protein forms S820C.
Identifiers: ClinVar variation 3967568 (VCV003967568.1).

ClinVar aggregate classification (germline): Uncertain significance (1 of 4 stars; one submission).

Submission:

Ambry Genetics
Classification: Uncertain significance. Last evaluated: 2025-04-18. Review status: criteria provided, single submitter. Criteria: Ambry Variant Classification Scheme 2023. Collection method: clinical testing. Allele origin: germline.
Comment: The p.S820C variant (also known as c.2458A>T), located in coding exon 1 of the TET2 gene, results from an A to T substitution at nucleotide position 2458. The serine at codon 820 is replaced by cysteine, an amino acid with dissimilar properties. This amino acid position is conserved. In addition, this alteration is predicted to be tolerated by in silico analysis. Based on the available evidence, the clinical significance of this variant remains unclear.